The following is an entry in ClinVar:

ClinVar aggregate classification (germline): Pathogenic. Review status: criteria provided, multiple submitters, no conflicts (2 of 4 stars). 2 submissions from 2 submitters: Pathogenic (2). Last evaluated 2024-10-15.

Conditions:
Autosomal recessive nonsyndromic hearing loss 9. Also called: NEUROSENSORY NONSYNDROMIC RECESSIVE DEAFNESS 9; AUDITORY NEUROPATHY, AUTOSOMAL RECESSIVE, 1, TEMPERATURE-SENSITIVE; Deafness, autosomal recessive 9; OTOF-Related Hearing Loss. Identifiers: Orphanet 90636, MedGen C1832828, MONDO:0010986, OMIM 601071.

Submissions (2):

Labcorp Genetics (formerly Invitae), Labcorp
Classification: Pathogenic. Last evaluated: 2024-10-15. Review status: criteria provided, single submitter. Criteria: Invitae Variant Classification Sherloc (09022015). Collection method: clinical testing. Allele origin: germline.
Comment: This sequence change creates a premature translational stop signal (p.Arg656Glyfs*10) in the OTOF gene. It is expected to result in an absent or disrupted protein product. Loss-of-function variants in OTOF are known to be pathogenic (PMID: 18381613, 19250381, 22575033). This variant is present in population databases (rs751564248, gnomAD 0.006%). This premature translational stop signal has been observed in individual(s) with auditory neuropathy (PMID: 30368385). ClinVar contains an entry for this variant (Variation ID: 1972386). Algorithms developed to predict the effect of sequence changes on RNA splicing suggest that this variant may disrupt the consensus splice site. For these reasons, this variant has been classified as Pathogenic.

Revvity Omics, Revvity
Classification: Pathogenic for Autosomal recessive nonsyndromic hearing loss 9. Last evaluated: 2023-11-02. Review status: criteria provided, single submitter. Criteria: ACMG Guidelines, 2015. Collection method: clinical testing. Allele origin: germline.

Literature cited by the submitters: PubMed 18381613 (cited by Labcorp Genetics (formerly Invitae), Labcorp); PubMed 19250381 (cited by Labcorp Genetics (formerly Invitae), Labcorp); PubMed 22575033 (cited by Labcorp Genetics (formerly Invitae), Labcorp); PubMed 30368385 (cited by Labcorp Genetics (formerly Invitae), Labcorp).

NM_194248.3(OTOF):c.1962del (p.Arg656fs)

Gene: OTOF (otoferlin; minus strand). Cytogenetic location: 2p23.3.
Variant type: Deletion.
Coding change: c.1962del on transcript NM_194248.3 (MANE Select); coding-DNA position 1962, one base deleted (G; older notation c.1962delG).
Protein change: p.Arg656fs; shifts the reading frame from arginine 656.
Molecular consequence: frameshift variant.
Genome position (GRCh38, 1-based): chr2:26,479,604, C deleted on the plus strand (G on the coding strand, the reverse complement: OTOF is on the minus strand); the first of 2 consecutive C bases (chr2:26,479,604-26,479,605); deleting either gives the same sequence. VCF-style (leftmost placement, unchanged base first): chr2-26479603-GC-G. GRCh37 (hg19) VCF-style: chr2-26702471-GC-G.
Other names: c.1962del, p.Arg656fs (NM_001287489.2); c.1962del (NM_194248.2); short protein forms R656fs.
Identifiers: ClinVar variation 1972386 (VCV001972386.7), dbSNP rs751564248, ClinGen allele CA1564104.